The following is an entry in ClinVar:

NM_000179.3(MSH6):c.2977G>A (p.Glu993Lys)

Gene: MSH6 (mutS homolog 6; plus strand). Cytogenetic location: 2p16.3.
Variant type: single nucleotide variant.
Coding change: c.2977G>A on transcript NM_000179.3 (MANE Select); coding-DNA position 2977, G replaced by A.
Protein change: p.Glu993Lys; replaces glutamic acid 993 with lysine.
Molecular consequence: missense variant.
Genome position (GRCh38, 1-based): chr2:47,800,960, G>A. VCF-style: chr2-47800960-G-A. GRCh37 (hg19) VCF-style: chr2-48028099-G-A.
Other names: c.2587G>A, p.Glu863Lys (NM_001281492.2); c.2071G>A, p.Glu691Lys (NM_001281493.2, NM_001281494.2, NM_001406811.1 and 6 more transcripts); c.3073G>A, p.Glu1025Lys (NM_001406795.1, NM_001406802.1); c.2977G>A, p.Glu993Lys (NM_001406796.1, NM_001406798.1, NM_001406800.1 and 2 more transcripts); c.2680G>A, p.Glu894Lys (NM_001406797.1, NM_001406801.1, NM_001406805.1 and 10 more transcripts); c.2452G>A, p.Glu818Lys (NM_001406799.1, NM_001406806.1, NM_001406807.1); c.2899G>A, p.Glu967Lys (NM_001406804.1); c.2983G>A, p.Glu995Lys (NM_001406813.1); and 2 more; short protein forms E1025K, E894K, E937K, E995K, E691K, E967K, E308K, E818K.
Identifiers: ClinVar variation 2008239 (VCV002008239.5), dbSNP rs1558667523, ClinGen allele CA346756348.

ClinVar aggregate classification (germline): Uncertain significance. Review status: criteria provided, multiple submitters, no conflicts (2 of 4 stars). 2 submissions from 2 submitters: Uncertain significance (2). Last evaluated 2024-11-05.

Conditions:
Hereditary cancer-predisposing syndrome. Also called: Tumor predisposition; Neoplastic Syndromes, Hereditary; Hereditary Cancer Syndrome; Hereditary neoplastic syndrome. Identifiers: Orphanet 140162, MedGen C0027672, MeSH D009386, MONDO:0015356.
Hereditary nonpolyposis colorectal neoplasms. Identifiers: MedGen C0009405, MeSH D003123.

Submissions (2):

Color Diagnostics, LLC DBA Color Health
Classification: Uncertain significance for Hereditary cancer-predisposing syndrome. Last evaluated: 2024-11-05. Review status: criteria provided, single submitter. Criteria: ACMG Guidelines, 2015. Collection method: clinical testing. Allele origin: germline.
Comment: This missense variant replaces glutamic acid with lysine at codon 993 of the MSH6 protein. Computational prediction suggests that this variant may have deleterious impact on protein structure and function (internally defined REVEL score threshold >= 0.7, PMID: 27666373). To our knowledge, functional studies have not been reported for this variant. This variant has not been reported in individuals affected with MSH6-related disorders in the literature. This variant has not been identified in the general population by the Genome Aggregation Database (gnomAD). The available evidence is insufficient to determine the role of this variant in disease conclusively. Therefore, this variant is classified as a Variant of Uncertain Significance.

Labcorp Genetics (formerly Invitae), Labcorp
Classification: Uncertain significance for Hereditary nonpolyposis colorectal neoplasms. Last evaluated: 2022-06-19. Review status: criteria provided, single submitter. Criteria: Invitae Variant Classification Sherloc (09022015). Collection method: clinical testing. Allele origin: germline.
Comment: In summary, the available evidence is currently insufficient to determine the role of this variant in disease. Therefore, it has been classified as a Variant of Uncertain Significance. Algorithms developed to predict the effect of missense changes on protein structure and function are either unavailable or do not agree on the potential impact of this missense change (SIFT: "Deleterious"; PolyPhen-2: "Probably Damaging"; Align-GVGD: "Class C15"). This variant has not been reported in the literature in individuals affected with MSH6-related conditions. This variant is not present in population databases (gnomAD no frequency). This sequence change replaces glutamic acid, which is acidic and polar, with lysine, which is basic and polar, at codon 993 of the MSH6 protein (p.Glu993Lys).